The following is an entry in ClinVar:

NM_000260.4(MYO7A):c.6237+9G>A

Gene: MYO7A (myosin VIIA; plus strand). Cytogenetic location: 11q13.5.
Variant type: single nucleotide variant.
Coding change: c.6237+9G>A on transcript NM_000260.4 (MANE Select); 9 bases into the intron after coding-DNA position 6237, G replaced by A.
Molecular consequence: intron variant.
Genome position (GRCh38, 1-based): chr11:77,211,346, G>A. VCF-style: chr11-77211346-G-A. GRCh37 (hg19) VCF-style: chr11-76922391-G-A.
Other names: c.6090+9G>A (NM_001369365.1); c.6123+9G>A (NM_001127180.2); c.6237+9G>A (NM_000260.3).
Identifiers: ClinVar variation 1099051 (VCV001099051.11), dbSNP rs113335302, ClinGen allele CA6198959.

ClinVar aggregate classification (germline): Conflicting classifications of pathogenicity. Review status: criteria provided, conflicting classifications (1 of 4 stars). 3 submissions from 3 submitters: Uncertain significance (1); Likely benign (1). 1 of the submissions does not count toward it. Last evaluated 2026-01-14.

Conditions:
MYO7A-related disorder. Also called: MYO7A-related disorders.

Allele frequency attached by ClinVar (database versions not stated): gnomAD 0.00004 and 0.00005; TOPMed 0.00010.
gnomAD v4.1: 52 of 1,570,878 alleles (0.0033%); highest among the groups gnomAD compares: African/African-American, 0.042%; 1 homozygote.

Submissions (3):

Labcorp Genetics (formerly Invitae), Labcorp
Classification: Likely benign. Last evaluated: 2026-01-14. Review status: criteria provided, single submitter. Criteria: Invitae Variant Classification Sherloc (09022015). Collection method: clinical testing. Allele origin: germline.

Blueprint Genetics
Classification: Uncertain significance. Last evaluated: 2024-01-23. Review status: criteria provided, single submitter. Criteria: ACMG Guidelines, 2015. Collection method: clinical testing. Allele origin: germline.

PreventionGenetics, part of Exact Sciences
Classification: Likely benign for MYO7A-related condition. Last evaluated: 2024-03-30. Review status: no assertion criteria provided. Collection method: clinical testing. Allele origin: germline. Not counted in ClinVar's aggregate classification.
Comment: This variant is classified as likely benign based on ACMG/AMP sequence variant interpretation guidelines (Richards et al. 2015 PMID: 25741868, with internal and published modifications).